The following is an entry in ClinVar:

ClinVar aggregate classification (germline): Uncertain significance. Review status: criteria provided, multiple submitters, no conflicts (2 of 4 stars). 2 submissions from 2 submitters: Uncertain significance (2). Last evaluated 2024-08-06.

Conditions:
Cardiovascular phenotype. Identifiers: MedGen CN230736.
Hereditary cancer-predisposing syndrome. Also called: Neoplastic Syndromes, Hereditary; Hereditary neoplastic syndrome; Hereditary Cancer Syndrome; Tumor predisposition. Identifiers: Orphanet 140162, MedGen C0027672, MeSH D009386, MONDO:0015356.
Neurofibromatosis, type 1 (NF1). Also called: VON RECKLINGHAUSEN DISEASE; NEUROFIBROMATOSIS, TYPE I, SOMATIC; Peripheral type neurofibromatosis; Neurofibromatosis, type I. Identifiers: Orphanet 636, MedGen C0027831, MONDO:0018975, OMIM 162200. Disease mechanism: loss of function.

Submissions (2):

Ambry Genetics
Classification: Uncertain significance for Cardiovascular phenotype; Hereditary cancer-predisposing syndrome. Last evaluated: 2024-08-06. Review status: criteria provided, single submitter. Criteria: Ambry Variant Classification Scheme 2023. Collection method: clinical testing. Allele origin: germline.
Comment: The p.A3T variant (also known as c.7G>A), located in coding exon 1 of the NF1 gene, results from a G to A substitution at nucleotide position 7. The alanine at codon 3 is replaced by threonine, an amino acid with similar properties. This amino acid position is well conserved in available vertebrate species. In addition, this alteration is predicted to be tolerated by in silico analysis. Since supporting evidence is limited at this time, the clinical significance of this alteration remains unclear.

Labcorp Genetics (formerly Invitae), Labcorp
Classification: Uncertain significance for Neurofibromatosis, type 1. Last evaluated: 2024-06-21. Review status: criteria provided, single submitter. Criteria: Invitae Variant Classification Sherloc (09022015). Collection method: clinical testing. Allele origin: germline.
Comment: This sequence change replaces alanine, which is neutral and non-polar, with threonine, which is neutral and polar, at codon 3 of the NF1 protein (p.Ala3Thr). This variant is not present in population databases (gnomAD no frequency). This variant has not been reported in the literature in individuals affected with NF1-related conditions. ClinVar contains an entry for this variant (Variation ID: 658636). Advanced modeling of protein sequence and biophysical properties (such as structural, functional, and spatial information, amino acid conservation, physicochemical variation, residue mobility, and thermodynamic stability) performed at Invitae indicates that this missense variant is not expected to disrupt NF1 protein function with a negative predictive value of 95%. In summary, the available evidence is currently insufficient to determine the role of this variant in disease. Therefore, it has been classified as a Variant of Uncertain Significance.

NM_001042492.3(NF1):c.7G>A (p.Ala3Thr)

Genes: MIR4733HG (MIR4733 host gene; minus strand), NF1 (neurofibromin 1; plus strand), LOC111811965 (NF1 (neurofibromin 1) promoter region; plus strand). Cytogenetic location: 17q11.2.
Variant type: single nucleotide variant.
Coding change: c.7G>A on transcript NM_001042492.3 (MANE Select); coding-DNA position 7, G replaced by A.
Protein change: p.Ala3Thr; replaces alanine 3 with threonine.
Molecular consequence: missense variant. On other transcripts: non-coding transcript variant (1).
Genome position (GRCh38, 1-based): chr17:31,095,316, G>A. VCF-style: chr17-31095316-G-A. GRCh37 (hg19) VCF-style: chr17-29422334-G-A.
Other names: c.7G>A, p.Ala3Thr (NM_000267.4, NM_001128147.3); short protein forms A3T.
Identifiers: ClinVar variation 658636 (VCV000658636.9), dbSNP rs1598173770, ClinGen allele CA398979175.
Genomic context (GRCh38, chr17:31,095,316, plus strand): 5'-GCCCAGGGCGCCGGCCCACCCTTCCCTCCGCCGCCCCCCGGCCGCGGGGAGGACATGGCC[G>A]CGCACAGGCCGGTGGAATGGGTCCAGGCCGTGGTCAGCCGCTTCGACGAGCAGGTAACCG-3'
Protein context (NP_001035957.1, residues 1-13): MA[Ala3Thr]HRPVEWVQAV